The following is an entry in ClinVar:

ClinVar aggregate classification (germline): Uncertain significance. Review status: criteria provided, multiple submitters, no conflicts (2 of 4 stars). 2 submissions from 2 submitters: Uncertain significance (2). Last evaluated 2025-09-05.

Conditions:
Inborn genetic diseases. Identifiers: MedGen C0950123, MeSH D030342.
Severe combined immunodeficiency due to IKK2 deficiency. Also called: Immunodeficiency 15; IMMUNODEFICIENCY 15B. Identifiers: Orphanet 397787, MedGen C4747743, MONDO:0014267, OMIM 615592.

gnomAD v4.1: 6 of 1,614,058 alleles (0.00037%); highest among the groups gnomAD compares: African/African-American, 0.0013%; no homozygotes.

Submissions (2):

Ambry Genetics
Classification: Uncertain significance for Inborn genetic diseases. Last evaluated: 2025-09-05. Review status: criteria provided, single submitter. Criteria: Ambry Variant Classification Scheme 2023. Collection method: clinical testing. Allele origin: germline.

Labcorp Genetics (formerly Invitae), Labcorp
Classification: Uncertain significance for Severe combined immunodeficiency due to IKK2 deficiency. Last evaluated: 2024-04-19. Review status: criteria provided, single submitter. Criteria: Invitae Variant Classification Sherloc (09022015). Collection method: clinical testing. Allele origin: germline.
Comment: This sequence change replaces glutamine, which is neutral and polar, with arginine, which is basic and polar, at codon 110 of the IKBKB protein (p.Gln110Arg). This variant is present in population databases (no rsID available, gnomAD 0.007%). This variant has not been reported in the literature in individuals affected with IKBKB-related conditions. Advanced modeling of protein sequence and biophysical properties (such as structural, functional, and spatial information, amino acid conservation, physicochemical variation, residue mobility, and thermodynamic stability) performed at Invitae indicates that this missense variant is not expected to disrupt IKBKB protein function with a negative predictive value of 95%. In summary, the available evidence is currently insufficient to determine the role of this variant in disease. Therefore, it has been classified as a Variant of Uncertain Significance.

NM_001556.3(IKBKB):c.329A>G (p.Gln110Arg)

Genes: IKBKB (inhibitor of nuclear factor kappa B kinase subunit beta; plus strand), LOC126860373 (CDK7 strongly-dependent group 2 enhancer GRCh37_chr8:42150166-42151365; plus strand). Cytogenetic location: 8p11.21.
Variant type: single nucleotide variant.
Coding change: c.329A>G on transcript NM_001556.3 (MANE Select); coding-DNA position 329, A replaced by G.
Protein change: p.Gln110Arg; replaces glutamine 110 with arginine.
Molecular consequence: missense variant. On other transcripts: non-coding transcript variant (3).
Genome position (GRCh38, 1-based): chr8:42,293,453, A>G. VCF-style: chr8-42293453-A-G. GRCh37 (hg19) VCF-style: chr8-42150971-A-G.
Other names: c.137A>G, p.Gln46Arg (NM_001190720.3); c.152A>G, p.Gln51Arg (NM_001242778.2); c.329A>G (NM_001556.2); short protein forms Q110R, Q46R, Q51R.
Identifiers: ClinVar variation 3712912 (VCV003712912.2).